The following is an entry in ClinVar:

NM_001130009.3(GEN1):c.2150C>T (p.Ser717Leu)

Gene: GEN1 (GEN1 structure-specific endonuclease; plus strand). Cytogenetic location: 2p24.2.
Variant type: single nucleotide variant.
Coding change: c.2150C>T on transcript NM_001130009.3 (MANE Select); coding-DNA position 2150, C replaced by T.
Protein change: p.Ser717Leu; replaces serine 717 with leucine.
Molecular consequence: missense variant.
Genome position (GRCh38, 1-based): chr2:17,781,362, C>T. VCF-style: chr2-17781362-C-T. GRCh37 (hg19) VCF-style: chr2-17962629-C-T.
Other names: c.2150C>T (NM_001130009.1); c.2150C>T, p.Ser717Leu (NM_182625.5); short protein forms S717L.
Identifiers: ClinVar variation 2878629 (VCV002878629.4), dbSNP rs2545631152, ClinGen allele CA345927416.

ClinVar aggregate classification (germline): Uncertain significance. Review status: criteria provided, multiple submitters, no conflicts (2 of 4 stars). 2 submissions from 2 submitters: Uncertain significance (2). Last evaluated 2025-08-25.

Submissions (2):

Ambry Genetics
Classification: Uncertain significance. Last evaluated: 2025-08-25. Review status: criteria provided, single submitter. Criteria: Ambry Variant Classification Scheme 2023. Collection method: clinical testing. Allele origin: germline.
Comment: The p.S717L variant (also known as c.2150C>T), located in coding exon 13 of the GEN1 gene, results from a C to T substitution at nucleotide position 2150. The serine at codon 717 is replaced by leucine, an amino acid with dissimilar properties. This amino acid position is conserved. In addition, this alteration is predicted to be tolerated by in silico analysis. Based on the available evidence, the clinical significance of this variant remains unclear.

Labcorp Genetics (formerly Invitae), Labcorp
Classification: Uncertain significance. Last evaluated: 2022-11-19. Review status: criteria provided, single submitter. Criteria: Invitae Variant Classification Sherloc (09022015). Collection method: clinical testing. Allele origin: germline.
Comment: In summary, the available evidence is currently insufficient to determine the role of this variant in disease. Therefore, it has been classified as a Variant of Uncertain Significance. Algorithms developed to predict the effect of missense changes on protein structure and function output the following: SIFT: "Tolerated"; PolyPhen-2: "Benign"; Align-GVGD: "Class C0". The leucine amino acid residue is found in multiple mammalian species, which suggests that this missense change does not adversely affect protein function. This variant has not been reported in the literature in individuals affected with GEN1-related conditions. This variant is not present in population databases (gnomAD no frequency). This sequence change replaces serine, which is neutral and polar, with leucine, which is neutral and non-polar, at codon 717 of the GEN1 protein (p.Ser717Leu).